The following is an entry in ClinVar:

NM_194248.3(OTOF):c.5815C>T (p.Arg1939Trp)

Gene: OTOF (otoferlin; minus strand). Cytogenetic location: 2p23.3.
Variant type: single nucleotide variant.
Coding change: c.5815C>T on transcript NM_194248.3 (MANE Select); coding-DNA position 5815, C replaced by T.
Protein change: p.Arg1939Trp; replaces arginine 1939 with tryptophan.
Molecular consequence: missense variant. On other transcripts: intron variant (2).
Genome position (GRCh38, 1-based): chr2:26,460,204, G>A on the plus strand (C>T on the coding strand, the complement: OTOF is on the minus strand). VCF-style: chr2-26460204-G-A. GRCh37 (hg19) VCF-style: chr2-26683072-G-A.
Other names: c.3514C>T, p.Arg1172Trp (NM_004802.4); c.3745C>T, p.Arg1249Trp (NM_194322.3); c.5813+443C>T (NM_001287489.2); c.3512+443C>T (NM_194323.3); c.5815C>T (NM_194248.2); short protein forms R1939W, R1172W, R1249W.
Identifiers: ClinVar variation 65813 (VCV000065813.12), dbSNP rs368790049, ClinGen allele CA345142.
Genomic context (GRCh38, chr2:26,460,204, plus strand): 5'-ACAAGAAGTAGCGAGCCGACTTGAGAGGGTTCAGGAACCAGATGAAGCTCGTGTCGGGCC[G>A]GCTGGAGTATGAAGGGTAGAGAGCGCAGAGGAGGGACAGGGAGGAGAAGGGATTGGGTGT-3'
Protein context (NP_919224.1, residues 1929-1949): NEPDPLEKPN[Arg1939Trp]PDTSFIWFLN

ClinVar aggregate classification (germline): Conflicting classifications of pathogenicity. Review status: criteria provided, conflicting classifications (1 of 4 stars). 5 submissions from 5 submitters: Pathogenic (1); Likely pathogenic (1); Uncertain significance (2). 1 of the submissions does not count toward it. Last evaluated 2025-12-22.

Conditions:
OTOF-related disorder. Also called: OTOF-related condition.
Autosomal recessive nonsyndromic hearing loss 9. Also called: AUDITORY NEUROPATHY, AUTOSOMAL RECESSIVE, 1, TEMPERATURE-SENSITIVE; Deafness, autosomal recessive 9; OTOF-Related Hearing Loss; NEUROSENSORY NONSYNDROMIC RECESSIVE DEAFNESS 9. Identifiers: Orphanet 90636, MedGen C1832828, MONDO:0010986, OMIM 601071.

Allele frequency attached by ClinVar (database versions not stated): gnomAD exomes 0.00001; gnomAD 0.00002; ExAC 0.00003; TOPMed 0.00003; ESP Exome Variant Server 0.00008.
gnomAD v4.1: 14 of 1,600,256 alleles (0.00087%); highest among the groups gnomAD compares: African/African-American, 0.004%; no homozygotes.

Submissions (5):

Labcorp Genetics (formerly Invitae), Labcorp
Classification: Likely pathogenic. Last evaluated: 2025-12-22. Review status: criteria provided, single submitter. Criteria: Invitae Variant Classification Sherloc (09022015). Collection method: clinical testing. Allele origin: germline.
Comment: This sequence change replaces arginine, which is basic and polar, with tryptophan, which is neutral and slightly polar, at codon 1939 of the OTOF protein (p.Arg1939Trp). The frequency data for this variant in the population databases is considered unreliable, as metrics indicate poor data quality at this position in the gnomAD database. This missense change has been observed in individuals with OTOF-related conditions (PMID: 19250381, 26818607, 34424407, 34536124). ClinVar contains an entry for this variant (Variation ID: 65813). An algorithm developed to predict the effect of missense changes on protein structure and function outputs the following: PolyPhen-2: "Probably Damaging". The tryptophan amino acid residue is found in multiple mammalian species, which suggests that this missense change does not adversely affect protein function. This variant disrupts the p.Arg1939 amino acid residue in OTOF. Other variant(s) that disrupt this residue have been determined to be pathogenic (PMID: 22575033, 23562982, 34424407, 34536124). This suggests that this residue is clinically significant, and that variants that disrupt this residue are likely to be disease-causing. In summary, the currently available evidence indicates that the variant is pathogenic, but additional data are needed to prove that conclusively. Therefore, this variant has been classified as Likely Pathogenic.

PreventionGenetics, part of Exact Sciences
Classification: Pathogenic for OTOF-related condition. Last evaluated: 2025-08-04. Review status: criteria provided, single submitter. Criteria: ACMG Guidelines, 2015. Collection method: clinical testing. Allele origin: germline.
Comment: The OTOF c.5815C>T variant is predicted to result in the amino acid substitution p.Arg1939Trp. This variant was reported in the homozygous and compound heterozygous states in multiple individuals with auditory neuropathy or nonsyndromic hearing loss (Choi et al. 2009. PubMed ID: 19250381; Table S1A, Thorpe et al. 2021. PubMed ID: 34424407; Iwasa et al. 2021. PubMed ID: 34536124). A different substitution (Gln) at this amino acid position has also been reported to be pathogenic (described as c.6141G>A, Varga. 2003. PubMed ID: 12525542; Chang. 2015. PubMed ID: 26632695; Matsunaga. 2012. PubMed ID: 22575033; Mutai. 2022. PubMed ID: 35248088). This variant is reported in 0.0020% of alleles in individuals of European (Non-Finnish) descent in gnomAD. This variant is interpreted as pathogenic.

Women's Health and Genetics/Laboratory Corporation of America, LabCorp
Classification: Uncertain significance. Last evaluated: 2023-08-03. Review status: criteria provided, single submitter. Criteria: LabCorp Variant Classification Summary - May 2015. Collection method: clinical testing. Allele origin: germline.
Comment: Variant summary: OTOF c.5815C>T (p.Arg1939Trp) results in a non-conservative amino acid change in the encoded protein sequence. Five of five in-silico tools predict a damaging effect of the variant on protein function. The variant alters a conserved nucleotide located located within the exonic splice region, however, 4/4 computational tools predict no significant impact on normal splicing. However, these predictions have yet to be confirmed by functional studies. The variant allele was found at a frequency of 8.8e-06 in 228166 control chromosomes. The available data on variant occurrences in the general population are insufficient to allow any conclusion about variant significance. To our knowledge, NM_19248:c.5815C>T (p.Arg1939Trp) has not been reported in the literature in individuals affected with Nonsyndromic Hearing Loss And Deafness, Type 9. There are however apparently different variants on other transcript(s), that have been reported as c.5815C>T (p.Arg1939Trp) in individuals with hearing loss (examples: Richard_2019, Iwasa_2021, Thorpe_2021, Choi_2009). In at-least one of these studies, the affected cohorts were ascertained by linkage to the DFNB9 locus (Choi_2009). Due to the underlying ambiguity in the representation of this variant among studies ascertained, these reports do not provide unequivocal conclusions about the association of this specific variant with Nonsyndromic Hearing Loss And Deafness, Type 9. To our knowledge, no experimental evidence demonstrating an impact on protein function has been reported. One submitter has cited clinical-significance assessments for this variant to ClinVar after 2014 and has classified the variant as uncertain significance. Based on the evidence outlined above, the variant was classified as uncertain significance.

Eurofins Ntd Llc (ga)
Classification: Uncertain significance. Last evaluated: 2017-06-16. Review status: criteria provided, single submitter. Criteria: EGL Classification Definitions 2015. Collection method: clinical testing. Allele origin: germline. Observed: 1 variant allele, 1 heterozygote.

GeneReviews
No classification provided. Condition: Autosomal recessive nonsyndromic hearing loss 9. Review status: no classification provided. Collection method: literature only. Allele origin: unknown. Not counted in ClinVar's aggregate classification.

Literature cited by the submitters: PubMed 19250381 (cited by Labcorp Genetics (formerly Invitae), Labcorp and GeneReviews); PubMed 26818607 (cited by Labcorp Genetics (formerly Invitae), Labcorp); PubMed 34424407 (cited by Labcorp Genetics (formerly Invitae), Labcorp); PubMed 34536124 (cited by Labcorp Genetics (formerly Invitae), Labcorp); PubMed 22575033 (cited by Labcorp Genetics (formerly Invitae), Labcorp); PubMed 23562982 (cited by Labcorp Genetics (formerly Invitae), Labcorp); PubMed 20301429 (cited by GeneReviews); NCBI Bookshelf NBK1251 (cited by GeneReviews).